The following is an entry in ClinVar:

ClinVar aggregate classification (germline): Pathogenic (1 of 4 stars; one submission).

Submission:

GeneDx
Classification: Pathogenic. Last evaluated: 2025-05-18. Review status: criteria provided, single submitter. Criteria: GeneDx Variant Classification Process June 2021. Collection method: clinical testing. Allele origin: germline. Affected: yes.
Comment: Canonical splice site variant predicted to result in a null allele in a gene for which loss of function is a known mechanism of disease; Not observed at significant frequency in large population cohorts (gnomAD); This variant is associated with the following publications: (PMID: 17394247, 25868953)

NM_003919.3(SGCE):c.109+1G>T

Gene: SGCE (sarcoglycan epsilon; minus strand). Cytogenetic location: 7q21.3.
Variant type: single nucleotide variant.
Coding change: c.109+1G>T on transcript NM_003919.3 (MANE Select); the canonical splice donor site of the intron after coding-DNA position 109, G replaced by T.
Molecular consequence: splice donor variant.
Genome position (GRCh38, 1-based): chr7:94,655,989, C>A on the plus strand (G>T on the coding strand, the complement: SGCE is on the minus strand). VCF-style: chr7-94655989-C-A. GRCh37 (hg19) VCF-style: chr7-94285301-C-A.
Other names: c.109+1G>T (NM_001362809.2, NM_001301139.2, NM_001346717.2 and 4 more transcripts); c.-155+1G>T (NM_001362807.2); c.-227+1G>T (NM_001362808.2, NM_001346720.2); c.-149+1G>T (NM_001346719.2).
Identifiers: ClinVar variation 4530778 (VCV004530778.1).
Genomic context (GRCh38, chr7:94,655,989, plus strand): 5'-GGGAGGGGGAGGCGGCGGCCTGTTGGCCCCGGGACCTCCACGTCGCGCGCAGGCCACTAA[C>A]CTGTCAGCAAGAATGTGCCAGTGGTCGCGGGGCTCATCCTGCGTGTCCCCCGACCCTGTC-3'